The following is an entry in ClinVar:

NM_017617.5(NOTCH1):c.3510+17G>A

Gene: NOTCH1 (notch receptor 1; minus strand). Cytogenetic location: 9q34.3.
Variant type: single nucleotide variant.
Coding change: c.3510+17G>A on transcript NM_017617.5 (MANE Select); 17 bases into the intron after coding-DNA position 3510, G replaced by A.
Molecular consequence: intron variant.
Genome position (GRCh38, 1-based): chr9:136,507,938, C>T on the plus strand (G>A on the coding strand, the complement: NOTCH1 is on the minus strand). VCF-style: chr9-136507938-C-T. GRCh37 (hg19) VCF-style: chr9-139402390-C-T.
Identifiers: ClinVar variation 2087636 (VCV002087636.4), dbSNP rs749934781, ClinGen allele CA5340910.

ClinVar aggregate classification (germline): Uncertain significance. Review status: criteria provided, multiple submitters, no conflicts (2 of 4 stars). 2 submissions from 2 submitters: Uncertain significance (2). Last evaluated 2023-10-20.

Conditions:
Adams-Oliver syndrome 5 (AOS5). Identifiers: Orphanet 974, MedGen C4014970, MONDO:0014459, OMIM 616028.

Allele frequency attached by ClinVar (database versions not stated): TOPMed below 0.00001; ExAC 0.00001; gnomAD 0.00001.
gnomAD v4.1: 1 of 1,611,710 alleles (0.000062%); highest among the groups gnomAD compares: African/African-American, 0.0013%; no homozygotes.

Submissions (2):

ARUP Laboratories, Molecular Genetics and Genomics, ARUP Laboratories
Classification: Uncertain significance. Last evaluated: 2023-10-20. Review status: criteria provided, single submitter. Criteria: ARUP Molecular Germline Variant Investigation Process 2024. Collection method: clinical testing. Allele origin: germline.
Comment: The NOTCH1 c.3510+17G>A variant (rs749934781), to our knowledge, is not reported in the medical literature but is reported in ClinVar (Variation ID: 2087636). This variant is only found on one allele in the Genome Aggregation Database, indicating it is not a common polymorphism. This is an intronic variant in a weakly conserved nucleotide, but computational analyses (SpliceAI) predict that this variant may impact splicing. Due to limited information, the clinical significance of this variant is uncertain at this time.

Labcorp Genetics (formerly Invitae), Labcorp
Classification: Uncertain significance for Adams-Oliver syndrome 5. Last evaluated: 2023-05-11. Review status: criteria provided, single submitter. Criteria: Invitae Variant Classification Sherloc (09022015). Collection method: clinical testing. Allele origin: germline.
Comment: In summary, the available evidence is currently insufficient to determine the role of this variant in disease. Therefore, it has been classified as a Variant of Uncertain Significance. Algorithms developed to predict the effect of sequence changes on RNA splicing suggest that this variant may create or strengthen a splice site. ClinVar contains an entry for this variant (Variation ID: 2087636). This variant has not been reported in the literature in individuals affected with NOTCH1-related conditions. This variant is present in population databases (rs749934781, gnomAD 0.007%). This sequence change falls in intron 21 of the NOTCH1 gene. It does not directly change the encoded amino acid sequence of the NOTCH1 protein.